The following is an entry in ClinVar:

NM_006371.5(CRTAP):c.8C>A (p.Pro3Gln)

Genes: CRTAP (cartilage associated protein; plus strand), LOC129936436 (ATAC-STARR-seq lymphoblastoid silent region 14183; plus strand). Cytogenetic location: 3p22.3.
Variant type: single nucleotide variant.
Coding change: c.8C>A on transcript NM_006371.5 (MANE Select); coding-DNA position 8, C replaced by A.
Protein change: p.Pro3Gln; replaces proline 3 with glutamine.
Molecular consequence: missense variant.
Genome position (GRCh38, 1-based): chr3:33,114,085, C>A. VCF-style: chr3-33114085-C-A. GRCh37 (hg19) VCF-style: chr3-33155577-C-A.
Other names: c.8C>A, p.Pro3Gln (NM_001393363.1, NM_001393364.1, NM_001393365.1); short protein forms P3Q.
Identifiers: ClinVar variation 2090999 (VCV002090999.1), dbSNP rs1238368716, ClinGen allele CA352007986.

ClinVar aggregate classification (germline): Uncertain significance (1 of 4 stars; one submission).

Conditions:
Osteogenesis imperfecta type 7 (OI7). Also called: OSTEOGENESIS IMPERFECTA, TYPE IIB; Osteogenesis imperfecta type 2B; OI type 2B; Osteogenesis imperfecta, perinatal lethal autosomal recessive; OI type IIB; OI type 7. Identifiers: MedGen C1853162, MONDO:0012536, OMIM 610682.

Allele frequency attached by ClinVar (database versions not stated): TOPMed below 0.00001; gnomAD 0.00001.

Submission:

Labcorp Genetics (formerly Invitae), Labcorp
Classification: Uncertain significance for Osteogenesis imperfecta type 7. Last evaluated: 2022-01-28. Review status: criteria provided, single submitter. Criteria: Invitae Variant Classification Sherloc (09022015). Collection method: clinical testing. Allele origin: germline.
Comment: This sequence change replaces proline, which is neutral and non-polar, with glutamine, which is neutral and polar, at codon 3 of the CRTAP protein (p.Pro3Gln). This variant is not present in population databases (gnomAD no frequency). This variant has not been reported in the literature in individuals affected with CRTAP-related conditions. Algorithms developed to predict the effect of missense changes on protein structure and function are either unavailable or do not agree on the potential impact of this missense change (SIFT: "Tolerated"; PolyPhen-2: "Not Available"; Align-GVGD: "Class C0"). In summary, the available evidence is currently insufficient to determine the role of this variant in disease. Therefore, it has been classified as a Variant of Uncertain Significance.